The following is an entry in ClinVar:

NM_000256.3(MYBPC3):c.3768C>G (p.Thr1256=)

Gene: MYBPC3 (myosin binding protein C3; minus strand). Cytogenetic location: 11p11.2.
Variant type: single nucleotide variant.
Coding change: c.3768C>G on transcript NM_000256.3 (MANE Select); coding-DNA position 3768, C replaced by G.
Protein change: p.Thr1256=; no amino-acid change (threonine 1256 retained).
Molecular consequence: synonymous variant.
Genome position (GRCh38, 1-based): chr11:47,332,118, G>C on the plus strand (C>G on the coding strand, the complement: MYBPC3 is on the minus strand). VCF-style: chr11-47332118-G-C. GRCh37 (hg19) VCF-style: chr11-47353669-G-C.
Identifiers: ClinVar variation 3069851 (VCV003069851.1), dbSNP rs1394764478, ClinGen allele CA474428836.
Genomic context (GRCh38, chr11:47,332,118, plus strand): 5'-CGAGGGCTCCTCACCTCGCACCTCCAGGCGGCACTCACACCGTGCCTCGCCCTGTAAGTT[G>C]GTGGCCCTGCAGACATAGATGCCCCCGTCAAAGGGGCAGGGCTTTCTAATCTCCAGAGTC-3'
Protein context (NP_000247.2, residues 1246-1266): FDGGIYVCRA[Thr1256=]NLQGEARCEC

ClinVar aggregate classification (germline): Uncertain significance (1 of 4 stars; one submission).

Conditions:
Hypertrophic cardiomyopathy. Also called: HYPERTROPHIC MYOCARDIOPATHY. Identifiers: Orphanet 217569, MedGen C0007194, MeSH D002312, MONDO:0005045, HP:0001639.

Submission:

All of Us Research Program, National Institutes of Health
Classification: Uncertain significance for Hypertrophic cardiomyopathy. Last evaluated: 2023-03-09. Review status: criteria provided, single submitter. Criteria: ACMG Guidelines, 2015. Collection method: clinical testing. Allele origin: germline. Inheritance: Autosomal dominant inheritance. Observed: 1 variant allele, 1 heterozygote.
Comment: This synonymous variant causes a nucleotide substitution but does not change the encoded amino acid at codon 1256 of the MYBPC3 protein. To our knowledge, functional studies have not been reported for this variant. This variant has not been reported in individuals affected with MYBPC3-related disorders in the literature. This variant has not been identified in the general population by the Genome Aggregation Database (gnomAD). The available evidence is insufficient to determine the role of this variant in disease conclusively. Therefore, this variant is classified as a Variant of Uncertain Significance.

This study involves interpretation of variants in research participants for the purpose of population health screening. Participant phenotype was not available at the time of variant classification. Additional details can be found in publication PMID: 35346344, PMCID: PMC8962531